The following is an entry in ClinVar:

NM_018896.5(CACNA1G):c.3361C>T (p.Arg1121Trp)

Gene: CACNA1G (calcium voltage-gated channel subunit alpha1 G; plus strand). Cytogenetic location: 17q21.33.
Variant type: single nucleotide variant.
Coding change: c.3361C>T on transcript NM_018896.5 (MANE Select); coding-DNA position 3361, C replaced by T.
Protein change: p.Arg1121Trp; replaces arginine 1121 with tryptophan.
Molecular consequence: missense variant. On other transcripts: non-coding transcript variant (5).
Genome position (GRCh38, 1-based): chr17:50,599,530, C>T. VCF-style: chr17-50599530-C-T. GRCh37 (hg19) VCF-style: chr17-48676891-C-T.
Other names: c.3361C>T, p.Arg1121Trp (NM_001256324.2, NM_001256325.2, NM_001256326.2 and 16 more transcripts); c.3292C>T, p.Arg1098Trp (NM_001256332.2, NM_198376.3, NM_198379.3 and 5 more transcripts); short protein forms R1098W, R1121W.
Identifiers: ClinVar variation 1878267 (VCV001878267.1), dbSNP rs2046199315, ClinGen allele CA400253030.
Genomic context (GRCh38, chr17:50,599,530, plus strand): 5'-AGCAGCTGGACCAGCAGGCGCTCCAGCCGGAACAGCCTCGGCCGTGCACCCAGCCTGAAG[C>T]GGAGAAGCCCAAGTGGAGAGCGGCGGTCCCTGTTGTCGGGAGAAGGCCAGGAGAGCCAGG-3'
Protein context (NP_061496.2, residues 1111-1131): NSLGRAPSLK[Arg1121Trp]RSPSGERRSL

ClinVar aggregate classification (germline): Uncertain significance (1 of 4 stars; one submission).

Allele frequency attached by ClinVar (database versions not stated): TOPMed below 0.00001; gnomAD 0.00001.
gnomAD v4.1: 3 of 1,611,796 alleles (0.00019%); highest among the groups gnomAD compares: East Asian, 0.0022%; no homozygotes.

Submission:

Women's Health and Genetics/Laboratory Corporation of America, LabCorp
Classification: Uncertain significance. Last evaluated: 2022-12-09. Review status: criteria provided, single submitter. Criteria: LabCorp Variant Classification Summary - May 2015. Collection method: clinical testing. Allele origin: germline.
Comment: Variant summary: CACNA1G c.3361C>T (p.Arg1121Trp) results in a non-conservative amino acid change in the encoded protein sequence. Five of five in-silico tools predict a damaging effect of the variant on protein function. The variant was absent in 244358 control chromosomes (gnomAD). The available data on variant occurrences in the general population are insufficient to allow any conclusion about variant significance. To our knowledge, no occurrence of c.3361C>T in individuals affected with Spinocerebellar Ataxia and no experimental evidence demonstrating its impact on protein function have been reported. No clinical diagnostic laboratories have submitted clinical-significance assessments for this variant to ClinVar after 2014. Based on the evidence outlined above, the variant was classified as uncertain significance.